The following is an entry in ClinVar:

NM_004168.4(SDHA):c.1909-5T>C

Gene: SDHA (succinate dehydrogenase complex flavoprotein subunit A; plus strand). Cytogenetic location: 5p15.33.
Variant type: single nucleotide variant.
Coding change: c.1909-5T>C on transcript NM_004168.4 (MANE Select); 5 bases into the intron before coding-DNA position 1909, T replaced by C.
Molecular consequence: intron variant.
Genome position (GRCh38, 1-based): chr5:256,329, T>C. VCF-style: chr5-256329-T-C. GRCh37 (hg19) VCF-style: chr5-256444-T-C.
Other names: c.1666-5T>C (NM_001330758.2); c.1765-5T>C (NM_001294332.2).
Identifiers: ClinVar variation 861251 (VCV000861251.12), dbSNP rs1197849830, ClinGen allele CA809175702.

ClinVar aggregate classification (germline): Likely benign. Review status: criteria provided, multiple submitters, no conflicts (2 of 4 stars). 3 submissions from 3 submitters: Likely benign (3). Last evaluated 2025-06-24.

Conditions:
Pheochromocytoma/paraganglioma syndrome 5. Also called: Paragangliomas 5; SDHA-Related Hereditary Paraganglioma-Pheochromocytoma Syndrome. Identifiers: Orphanet 29072, MedGen C3279992, MONDO:0013602, OMIM 614165.
Hereditary cancer-predisposing syndrome. Also called: Neoplastic Syndromes, Hereditary; Hereditary neoplastic syndrome; Tumor predisposition; Hereditary Cancer Syndrome. Identifiers: Orphanet 140162, MedGen C0027672, MeSH D009386, MONDO:0015356.
Mitochondrial complex II deficiency, nuclear type 1. Also called: SUCCINATE CoQ REDUCTASE DEFICIENCY. Identifiers: Orphanet 3208, MedGen C5700310, MONDO:0100294, OMIM 252011.

Allele frequency attached by ClinVar (database versions not stated): TOPMed below 0.00001; gnomAD 0.00002.

Submissions (3):

Labcorp Genetics (formerly Invitae), Labcorp
Classification: Likely benign for Pheochromocytoma/paraganglioma syndrome 5; Mitochondrial complex II deficiency, nuclear type 1. Last evaluated: 2025-06-24. Review status: criteria provided, single submitter. Criteria: Invitae Variant Classification Sherloc (09022015). Collection method: clinical testing. Allele origin: germline.

Myriad Genetics, Inc.
Classification: Likely benign for Pheochromocytoma/paraganglioma syndrome 5. Last evaluated: 2025-03-11. Review status: criteria provided, single submitter. Criteria: Myriad Autosomal Dominant, Autosomal Recessive and X-Linked Classification Criteria (2023). Collection method: clinical testing. Allele origin: unknown.
Comment: This variant is considered likely benign. This variant is intronic and is not expected to impact mRNA splicing.

Ambry Genetics
Classification: Likely benign for Hereditary cancer-predisposing syndrome. Last evaluated: 2024-10-01. Review status: criteria provided, single submitter. Criteria: Ambry Variant Classification Scheme 2023. Collection method: clinical testing. Allele origin: germline.